The following is an entry in ClinVar:

NM_017841.4(SDHAF2):c.412G>C (p.Ala138Pro)

Gene: SDHAF2 (succinate dehydrogenase complex assembly factor 2; plus strand). Cytogenetic location: 11q12.2.
Variant type: single nucleotide variant.
Coding change: c.412G>C on transcript NM_017841.4 (MANE Select); coding-DNA position 412, G replaced by C.
Protein change: p.Ala138Pro; replaces alanine 138 with proline.
Molecular consequence: missense variant.
Genome position (GRCh38, 1-based): chr11:61,445,982, G>C. VCF-style: chr11-61445982-G-C. GRCh37 (hg19) VCF-style: chr11-61213454-G-C.
Other names: short protein forms A138P.
Identifiers: ClinVar variation 1920998 (VCV001920998.5), dbSNP rs2540133038, ClinGen allele CA380685333.
Genomic context (GRCh38, chr11:61,445,982, plus strand): 5'-GCCCACTCTTCTCTTGCAGAAGCTAAACCAGCCCCAGAAATATTTGAAAATGAAGTCATG[G>C]CCCTGCTGAGAGACTTTGCTAAAAACAAAAACAAAGAGCAGAGACTGCGTGCCCCAGATC-3'
Protein context (NP_060311.1, residues 128-148): APEIFENEVM[Ala138Pro]LLRDFAKNKN

ClinVar aggregate classification (germline): Uncertain significance (1 of 4 stars; one submission).

Conditions:
Hereditary pheochromocytoma and paraganglioma. Also called: Hereditary paragangliomas and pheochromocytomas; Hereditary Paraganglioma-Pheochromocytoma Syndromes; Hereditary pheochromocytoma-paraganglioma. Identifiers: Orphanet 29072, MedGen C4274332, MONDO:0017366.

Submission:

Labcorp Genetics (formerly Invitae), Labcorp
Classification: Uncertain significance for Hereditary pheochromocytoma and paraganglioma. Last evaluated: 2022-05-10. Review status: criteria provided, single submitter. Criteria: Invitae Variant Classification Sherloc (09022015). Collection method: clinical testing. Allele origin: germline.
Comment: In summary, the available evidence is currently insufficient to determine the role of this variant in disease. Therefore, it has been classified as a Variant of Uncertain Significance. Algorithms developed to predict the effect of missense changes on protein structure and function (SIFT, PolyPhen-2, Align-GVGD) all suggest that this variant is likely to be tolerated. This variant has not been reported in the literature in individuals affected with SDHAF2-related conditions. This variant is not present in population databases (gnomAD no frequency). This sequence change replaces alanine, which is neutral and non-polar, with proline, which is neutral and non-polar, at codon 138 of the SDHAF2 protein (p.Ala138Pro).